The following is an entry in ClinVar:

ClinVar aggregate classification (germline): Uncertain significance (1 of 4 stars; one submission).

Conditions:
Early-infantile DEE. Also called: Early infantile epileptic encephalopathy; Ohtahara syndrome; Early infantile epileptic encephalopathy with suppression bursts. Identifiers: Orphanet 1934, MedGen C0393706, MONDO:0800491.

Submission:

Labcorp Genetics (formerly Invitae), Labcorp
Classification: Uncertain significance for Early-infantile DEE. Last evaluated: 2022-05-05. Review status: criteria provided, single submitter. Criteria: Invitae Variant Classification Sherloc (09022015). Collection method: clinical testing. Allele origin: germline.
Comment: In summary, the available evidence is currently insufficient to determine the role of this variant in disease. Therefore, it has been classified as a Variant of Uncertain Significance. Algorithms developed to predict the effect of missense changes on protein structure and function are either unavailable or do not agree on the potential impact of this missense change (SIFT: "Deleterious"; PolyPhen-2: "Benign"; Align-GVGD: "Class C65"). This variant has not been reported in the literature in individuals affected with SPTAN1-related conditions. This variant is not present in population databases (gnomAD no frequency). This sequence change replaces histidine, which is basic and polar, with aspartic acid, which is acidic and polar, at codon 2350 of the SPTAN1 protein (p.His2350Asp).

NM_001130438.3(SPTAN1):c.7048C>G (p.His2350Asp)

Gene: SPTAN1 (spectrin alpha, non-erythrocytic 1; plus strand). Cytogenetic location: 9q34.11.
Variant type: single nucleotide variant.
Coding change: c.7048C>G on transcript NM_001130438.3 (MANE Select); coding-DNA position 7048, C replaced by G.
Protein change: p.His2350Asp; replaces histidine 2350 with aspartic acid.
Molecular consequence: missense variant.
Genome position (GRCh38, 1-based): chr9:128,632,606, C>G. VCF-style: chr9-128632606-C-G. GRCh37 (hg19) VCF-style: chr9-131394885-C-G.
Other names: c.6973C>G, p.His2325Asp (NM_001195532.2); c.7111C>G, p.His2371Asp (NM_001363759.2); c.6988C>G, p.His2330Asp (NM_001363765.2, NM_001375314.2); c.7135C>G, p.His2379Asp (NM_001375310.1); c.7048C>G, p.His2350Asp (NM_001375311.2); c.7084C>G, p.His2362Asp (NM_001375312.2); c.7030C>G, p.His2344Asp (NM_001375313.1); c.7147C>G, p.His2383Asp (NM_001375318.1); and 1 more; short protein forms H2345D, H2350D, H2362D, H2330D, H2371D, H2379D, H2344D, H2383D.
Identifiers: ClinVar variation 2134410 (VCV002134410.4), dbSNP rs2542390949, ClinGen allele CA375100350.